The following is an entry in ClinVar:

NM_014822.4(SEC24D):c.1778T>C (p.Leu593Pro)

Gene: SEC24D (SEC24 homolog D, COPII component; minus strand). Cytogenetic location: 4q26.
Variant type: single nucleotide variant.
Coding change: c.1778T>C on transcript NM_014822.4 (MANE Select); coding-DNA position 1778, T replaced by C.
Protein change: p.Leu593Pro; replaces leucine 593 with proline.
Molecular consequence: missense variant.
Genome position (GRCh38, 1-based): chr4:118,744,990, A>G on the plus strand (T>C on the coding strand, the complement: SEC24D is on the minus strand). VCF-style: chr4-118744990-A-G. GRCh37 (hg19) VCF-style: chr4-119666145-A-G.
Other names: c.1781T>C, p.Leu594Pro (NM_001318066.2); short protein forms L594P, L593P.
Identifiers: ClinVar variation 2088670 (VCV002088670.4), dbSNP rs2530086885, ClinGen allele CA358009603.

ClinVar aggregate classification (germline): Uncertain significance (1 of 4 stars; one submission).

Submission:

Labcorp Genetics (formerly Invitae), Labcorp
Classification: Uncertain significance. Last evaluated: 2022-01-21. Review status: criteria provided, single submitter. Criteria: Invitae Variant Classification Sherloc (09022015). Collection method: clinical testing. Allele origin: germline.
Comment: In summary, the available evidence is currently insufficient to determine the role of this variant in disease. Therefore, it has been classified as a Variant of Uncertain Significance. Algorithms developed to predict the effect of missense changes on protein structure and function are either unavailable or do not agree on the potential impact of this missense change (SIFT: "Not Available"; PolyPhen-2: "Probably Damaging"; Align-GVGD: "Not Available"). This variant has not been reported in the literature in individuals affected with SEC24D-related conditions. This variant is not present in population databases (gnomAD no frequency). This sequence change replaces leucine, which is neutral and non-polar, with proline, which is neutral and non-polar, at codon 593 of the SEC24D protein (p.Leu593Pro).